The following is an entry in ClinVar:

ClinVar aggregate classification (germline): Uncertain significance (1 of 4 stars; one submission).

Conditions:
Schuurs-Hoeijmakers syndrome. Also called: PACS1-Related Neurodevelopmental Disorder. Identifiers: Orphanet 329224, MedGen C3554343, MONDO:0014006, OMIM 615009.

Submission:

Labcorp Genetics (formerly Invitae), Labcorp
Classification: Uncertain significance for Schuurs-Hoeijmakers syndrome. Last evaluated: 2025-05-22. Review status: criteria provided, single submitter. Criteria: Invitae Variant Classification Sherloc (09022015). Collection method: clinical testing. Allele origin: germline.
Comment: This sequence change affects an acceptor splice site in intron 5 of the PACS1 gene. It is expected to disrupt RNA splicing. Variants that disrupt the donor or acceptor splice site typically lead to a loss of protein function (PMID: 16199547), however the current clinical and genetic evidence is not sufficient to establish whether loss-of-function variants in PACS1 cause disease. This variant is not present in population databases (gnomAD no frequency). This variant has not been reported in the literature in individuals affected with PACS1-related conditions. Algorithms developed to predict the effect of sequence changes on RNA splicing suggest that this variant may disrupt the consensus splice site. In summary, the available evidence is currently insufficient to determine the role of this variant in disease. Therefore, it has been classified as a Variant of Uncertain Significance.

Literature cited by the submitters: PubMed 16199547.

NM_018026.4(PACS1):c.806-1G>C

Gene: PACS1 (phosphofurin acidic cluster sorting protein 1; plus strand). Cytogenetic location: 11q13.2.
Variant type: single nucleotide variant.
Coding change: c.806-1G>C on transcript NM_018026.4 (MANE Select); the canonical splice acceptor site of the intron before coding-DNA position 806, G replaced by C.
Molecular consequence: splice acceptor variant.
Genome position (GRCh38, 1-based): chr11:66,216,519, G>C. VCF-style: chr11-66216519-G-C. GRCh37 (hg19) VCF-style: chr11-65983990-G-C.
Identifiers: ClinVar variation 4715312 (VCV004715312.1).